The following is an entry in ClinVar:

NM_000169.3(GLA):c.36C>A (p.Cys12Ter)

Genes: GLA (galactosidase alpha; minus strand), RPL36A-HNRNPH2 (RPL36A-HNRNPH2 readthrough; plus strand). Cytogenetic location: Xq22.1.
Variant type: single nucleotide variant.
Coding change: c.36C>A on transcript NM_000169.3 (MANE Select); coding-DNA position 36, C replaced by A.
Protein change: p.Cys12Ter; replaces cysteine 12 with a stop codon.
Molecular consequence: nonsense. On other transcripts: non-coding transcript variant (3), intron variant (2).
Genome position (GRCh38, 1-based): chrX:101,407,868, G>T on the plus strand (C>A on the coding strand, the complement: GLA is on the minus strand). VCF-style: chrX-101407868-G-T. GRCh37 (hg19) VCF-style: chrX-100662856-G-T.
Other names: c.36C>A, p.Cys12Ter (NM_001406747.1, NM_001406748.1, NM_001406749.1); c.301-4068G>T (NM_001199973.2); c.178-4068G>T (NM_001199974.2); short protein forms C12*.
Identifiers: ClinVar variation 4087135 (VCV004087135.4), dbSNP rs869312283.

ClinVar aggregate classification (germline): Pathogenic. Review status: criteria provided, multiple submitters, no conflicts (2 of 4 stars). 2 submissions from 2 submitters: Pathogenic (2). Last evaluated 2026-09-08.

Conditions:
Fabry disease. Also called: Fabry's disease; ALPHA-GALACTOSIDASE A DEFICIENCY; ANDERSON-FABRY DISEASE; CERAMIDE TRIHEXOSIDASE DEFICIENCY; GLA DEFICIENCY; HEREDITARY DYSTOPIC LIPIDOSIS. Identifiers: Orphanet 324, MedGen C0002986, MONDO:0010526, OMIM 301500, HP:0001071. Disease mechanism: Fabry disease is due to inactivating mutations in the X-linked GLA gene resulting in deficiency of the enzyme Alpha Galactosidase-A., loss of function.

Submissions (2):

Genomenon, Inc
Classification: Pathogenic for Fabry disease. Last evaluated: 2026-09-08. Review status: criteria provided, single submitter. Criteria: Genomenon Sequence Variant Interpretation Standards - Updated. Collection method: curation. Allele origin: germline. Affected: yes.
Comment: GLA p.Cys12Ter (c.36C>A) is a nonsense variant that introduces a premature stop codon at amino acid position 12 and is predicted to result in a truncated or absent protein product. This variant has been observed in at least one proband with clinical features consistent with Fabry disease (PMID:28087245;36140787). The variant was found to segregate with disease in at least one affected family (PMID:28087245). It is absent or not present at a significant frequency in gnomAD. In conclusion, we classify GLA p.Cys12Ter (c.36C>A) as a pathogenic variant.

Juno Genomics, Hangzhou Juno Genomics, Inc
Classification: Pathogenic for Fabry disease. Review status: criteria provided, single submitter. Criteria: ACMG Guidelines, 2015. Collection method: clinical testing. Allele origin: germline.
Comment: Absent from controls (or at extremely low frequency if recessive) in Genome Aggregation Database.;Null variant in a gene where loss of function (LOF) is a known mechanism of disease.;The prevalence of the variant in affected individuals is significantly increased compared to the prevalence in controls.;Patient's phenotype or family history is highly specific for a disease with a single genetic etiology.

Literature cited by the submitters: PubMed 28087245 (cited by Genomenon, Inc); PubMed 36140787 (cited by Genomenon, Inc).